The following is an entry in ClinVar:

NC_000017.10:g.(?_66518887)_(66519077_?)del

Gene: PRKAR1A (protein kinase cAMP-dependent type I regulatory subunit alpha; plus strand). Cytogenetic location: 17q24.2.
Variant type: Deletion.
Identifiers: ClinVar variation 3243066 (VCV003243066.1).

ClinVar aggregate classification (germline): Likely pathogenic (1 of 4 stars; one submission).

Conditions:
Carney complex, type 1 (CNC1). Also called: CARNEY COMPLEX, TYPE I; CARNEY MYXOMA-ENDOCRINE COMPLEX. Identifiers: Orphanet 1359, MedGen C2607929, MONDO:0008057, OMIM 160980.

Submission:

Labcorp Genetics (formerly Invitae), Labcorp
Classification: Likely pathogenic for Carney complex, type 1. Last evaluated: 2023-08-16. Review status: criteria provided, single submitter. Criteria: Invitae Variant Classification Sherloc (09022015). Collection method: clinical testing. Allele origin: unknown.
Comment: This variant is a gross deletion of the genomic region encompassing exon(s) 3 of the PRKAR1A gene. This variant would be expected to be in-frame, preserving the integrity of the reading frame. In summary, the currently available evidence indicates that the variant is pathogenic, but additional data are needed to prove that conclusively. Therefore, this variant has been classified as Likely Pathogenic. Experimental studies have shown that a similar copy number variant affects PRKAR1A function (PMID: 18223213, 18241045). Algorithms developed to predict the effect of variants on protein structure and function are not available or were not evaluated for this variant. A similar copy number variant has been observed in individual(s) with Carney complex (PMID: 18223213).

Literature cited by the submitters: PubMed 18223213; PubMed 18241045.